The following is an entry in ClinVar:

ClinVar aggregate classification (germline): Pathogenic/Likely pathogenic. Review status: criteria provided, multiple submitters, no conflicts (2 of 4 stars). 13 submissions from 13 submitters: Pathogenic (7); Likely pathogenic (3). 3 of the submissions do not count toward it. Last evaluated 2025-10-12.

Conditions:
NPHS1-related disorder. Also called: NPHS1-related condition.
Finnish congenital nephrotic syndrome (NPHS1). Also called: NEPHROTIC SYNDROME, TYPE 1. Identifiers: Orphanet 839, MedGen C0403399, MONDO:0009732, OMIM 256300.

Allele frequency attached by ClinVar (database versions not stated): ExAC 0.00001; gnomAD exomes 0.00001 and 0.00002; TOPMed 0.00001; gnomAD 0.00002.

Submissions (13):

Labcorp Genetics (formerly Invitae), Labcorp
Classification: Pathogenic. Last evaluated: 2025-10-12. Review status: criteria provided, single submitter. Criteria: Invitae Variant Classification Sherloc (09022015). Collection method: clinical testing. Allele origin: germline.
Comment: This sequence change replaces arginine, which is basic and polar, with tryptophan, which is neutral and slightly polar, at codon 407 of the NPHS1 protein (p.Arg407Trp). This variant is present in population databases (rs386833874, gnomAD 0.01%). This missense change has been observed in individual(s) with NPHS1-related conditions (PMID: 20172850, 25349199, 33980730). In at least one individual the data is consistent with being in trans (on the opposite chromosome) from a pathogenic variant. ClinVar contains an entry for this variant (Variation ID: 56430). Invitae Evidence Modeling of protein sequence and biophysical properties (such as structural, functional, and spatial information, amino acid conservation, physicochemical variation, residue mobility, and thermodynamic stability) has been performed for this missense variant. However, the output from this modeling did not meet the statistical confidence thresholds required to predict the impact of this variant on NPHS1 protein function. For these reasons, this variant has been classified as Pathogenic.

Natera, Inc.
Classification: Pathogenic for Finnish congenital nephrotic syndrome. Last evaluated: 2025-10-10. Review status: criteria provided, single submitter. Criteria: Natera Variant Classification Schema (03/2026). Collection method: clinical testing. Allele origin: germline.
Comment: The c.1219C>T variant in NPHS1 is a missense variant predicted to cause substitution of arginine to tryptophan at amino acid 407. This variant is rare in the general population with a frequency below the threshold expected for the associated phenotype(s). This variant has been observed in one or more individuals affected with the associated recessive disease, as either homozygous or compound heterozygous with a second variant (PMID: 20172850, 31655822, 30215773). Computational prediction algorithms indicate this variant is likely to affect gene or protein function. Given the available evidence, this variant is classified as Pathogenic.

3billion
Classification: Likely pathogenic for Finnish congenital nephrotic syndrome. Last evaluated: 2025-07-02. Review status: criteria provided, single submitter. Criteria: ACMG Guidelines, 2015. Collection method: clinical testing. Allele origin: germline. Affected: yes.
Comment: The variant is observed at an extremely low frequency in the gnomAD v4.1.0 dataset (total allele frequency: 0.001%). Predicted Consequence/Location: Missense variant. The majority of the known disease-causing variants of this gene are variants expected to result in premature termination of the protein. The same nucleotide change resulting in the same amino acid change has been previously reported as pathogenic/likely pathogenic with strong evidence (ClinVar ID: VCV000056430 /PMID: 20172850). Therefore, this variant is classified as Likely pathogenic according to the recommendation of ACMG/AMP guideline.

Fulgent Genetics
Classification: Likely pathogenic for Finnish congenital nephrotic syndrome. Last evaluated: 2024-02-02. Review status: criteria provided, single submitter. Criteria: ACMG Guidelines, 2015. Collection method: clinical testing. Allele origin: germline.

GeneDx
Classification: Pathogenic. Last evaluated: 2023-08-24. Review status: criteria provided, single submitter. Criteria: GeneDx Variant Classification Process June 2021. Collection method: clinical testing. Allele origin: germline. Affected: yes.
Comment: Not observed at significant frequency in large population cohorts (gnomAD); In silico analysis supports that this missense variant has a deleterious effect on protein structure/function; This variant is associated with the following publications: (PMID: 31589614, 31655822, 35775617, 33980730, 34859019, 35497790, 25349199, 29663071, 30215773, 34633532, 20172850)

Johns Hopkins Genomics, Johns Hopkins University
Classification: Likely pathogenic for Finnish congenital nephrotic syndrome. Last evaluated: 2022-04-29. Review status: criteria provided, single submitter. Criteria: ACMG Guidelines, 2015. Collection method: clinical testing. Allele origin: germline.
Comment: NPHS1 c.1219C>T has been identified in the homozygous and compound heterozygous state in multiple individuals with nephrotic syndrome, type 1. This variant (rs386833874) is rare (<0.1%) in a large population dataset (gnomAD:6/282766 total alleles; 0.002122%; no homozygotes) and has been reported in ClinVar (Variation ID: 56430). Three bioinformatic tools queried predict that this substitution would be damaging and the arginine residue at this position is evolutionarily conserved across most mammalian species assessed. We consider NPHS1 c.1219C>T to be likely pathogenic.

Vasylyeva lab, Texas Tech University Health Sciences Center
Classification: Pathogenic for Finnish congenital nephrotic syndrome. Last evaluated: 2021-10-22. Review status: criteria provided, single submitter. Criteria: ACMG Guidelines, 2015. Collection method: clinical testing. Allele origin: unknown. Affected: yes.

Women's Health and Genetics/Laboratory Corporation of America, LabCorp
Classification: Pathogenic for Finnish congenital nephrotic syndrome. Last evaluated: 2021-10-22. Review status: criteria provided, single submitter. Criteria: LabCorp Variant Classification Summary - May 2015. Collection method: clinical testing. Allele origin: germline.
Comment: Variant summary: NPHS1 c.1219C>T (p.Arg407Trp) results in a non-conservative amino acid change located in the Immunoglobulin-like domain of the encoded protein sequence. Three of five in-silico tools predict a damaging effect of the variant on protein function. The variant allele was found at a frequency of 2e-05 in 251390 control chromosomes. c.1219C>T has been reported in the literature in multiple individuals affected with Nephrotic Syndrome, Type 1 in homozygous or compound heterozygous states (e.g. Schoeb_2010, Sadowski_2015, Dufek_2019, Sinha_2020). These data indicate that the variant is very likely to be associated with disease. To our knowledge, no experimental evidence demonstrating an impact on protein function has been reported. Two clinical diagnostic laboratories have submitted clinical-significance assessments for this variant to ClinVar after 2014 without evidence for independent evaluation. Both laboratories classified the variant as likely pathogenic. Based on the evidence outlined above, the variant was classified as pathogenic.

Blueprint Genetics
Classification: Pathogenic for NPHS1-related disorders. Last evaluated: 2021-09-01. Review status: criteria provided, single submitter. Criteria: ACMG Guidelines, 2015. Collection method: clinical testing. Allele origin: germline. Affected: yes. Observed: 1 variant allele.

Juno Genomics, Hangzhou Juno Genomics, Inc
Classification: Pathogenic for Finnish congenital nephrotic syndrome. Review status: criteria provided, single submitter. Criteria: ACMG Guidelines, 2015. Collection method: clinical testing. Allele origin: germline.
Comment: Absent from controls (or at extremely low frequency if recessive) in Genome Aggregation Database.;For recessive disorders, detected in trans with a pathogenic variant.;Patient's phenotype or family history is highly specific for a disease with a single genetic etiology.

PreventionGenetics, part of Exact Sciences
Classification: Pathogenic for NPHS1-related condition. Last evaluated: 2024-07-27. Review status: no assertion criteria provided. Collection method: clinical testing. Allele origin: germline. Not counted in ClinVar's aggregate classification.
Comment: The NPHS1 c.1219C>T variant is predicted to result in the amino acid substitution p.Arg407Trp. This variant has been widely reported in the compound heterozygous or homozygous states in individuals with nephrotic syndrome (Schoeb et al. 2010. PubMed ID: 20172850; Sinha et al. 2019. PubMed ID: 31655822; Joshi et al. 2021. PubMed ID: 33980730; Rong et al. 2021. PubMed ID: 34859019; Sinha et al. 2022. PubMed ID: 35497790, Supplement Document Table 2). This variant is reported in 0.014% of alleles in individuals of Latino descent in gnomAD. This variant is interpreted as pathogenic.

Counsyl
Classification: Likely pathogenic for Finnish congenital nephrotic syndrome. Last evaluated: 2017-11-30. Review status: no assertion criteria provided. Collection method: clinical testing. Allele origin: unknown. Not counted in ClinVar's aggregate classification.

Juha Muilu Group; Institute for Molecular Medicine Finland (FIMM)
Classification: Likely pathogenic for Finnish congenital nephrotic syndrome. Review status: no assertion criteria provided. Collection method: not provided. Allele origin: unknown. Not counted in ClinVar's aggregate classification.
Comment: FinDis database variant: This variant was not found or characterized by our laboratory, data were collected from public sources: see reference
ClinVar note: Converted during submission from probable-pathogenic to Likely pathogenic.

Literature cited by the submitters: PubMed 20172850 (cited by 6 submitters); PubMed 25349199 (cited by 5 submitters); PubMed 33980730 (cited by 3 submitters); PubMed 31655822 (cited by 4 submitters); PubMed 30215773 (cited by 3 submitters); PubMed 34859019 (cited by Johns Hopkins Genomics, Johns Hopkins University and Vasylyeva lab, Texas Tech University Health Sciences Center).

NM_004646.4(NPHS1):c.1219C>T (p.Arg407Trp)

Gene: NPHS1 (NPHS1 adhesion molecule, nephrin; minus strand). Cytogenetic location: 19q13.12.
Variant type: single nucleotide variant.
Coding change: c.1219C>T on transcript NM_004646.4 (MANE Select); coding-DNA position 1219, C replaced by T.
Protein change: p.Arg407Trp; replaces arginine 407 with tryptophan.
Molecular consequence: missense variant.
Genome position (GRCh38, 1-based): chr19:35,848,349, G>A on the plus strand (C>T on the coding strand, the complement: NPHS1 is on the minus strand). VCF-style: chr19-35848349-G-A. GRCh37 (hg19) VCF-style: chr19-36339251-G-A.
Other names: short protein forms R407W.
Identifiers: ClinVar variation 56430 (VCV000056430.28), dbSNP rs386833874, ClinGen allele CA250107.
Genomic context (GRCh38, chr19:35,848,349, plus strand): 5'-CCTTGGTGAAGGCTTCACTGAAGGCCTCACATGTGAGGGTCAGACCGTTGTCCTCCCGCC[G>A]CGCCAGGAATGTCAGGTTGGACATGGAGATGTGACCGCCATGCAGTCCCTGGCAGGGAGT-3'
Protein context (NP_004637.1, residues 397-417): ISMSNLTFLA[Arg407Trp]REDNGLTLTC